The following is an entry in ClinVar:

NM_001142800.2(EYS):c.6060C>A (p.Asp2020Glu)

Gene: EYS (EGF-like photoreceptor maintenance factor; minus strand). Cytogenetic location: 6q12.
Variant type: single nucleotide variant.
Coding change: c.6060C>A on transcript NM_001142800.2 (MANE Select); coding-DNA position 6060, C replaced by A.
Protein change: p.Asp2020Glu; replaces aspartic acid 2020 with glutamic acid.
Molecular consequence: missense variant.
Genome position (GRCh38, 1-based): chr6:64,388,708, G>T on the plus strand (C>A on the coding strand, the complement: EYS is on the minus strand). VCF-style: chr6-64388708-G-T. GRCh37 (hg19) VCF-style: chr6-65098601-G-T.
Other names: c.6060C>A, p.Asp2020Glu (NM_001292009.2); short protein forms D2020E.
Identifiers: ClinVar variation 1377195 (VCV001377195.4), dbSNP rs1427608537, ClinGen allele CA364391983.
Genomic context (GRCh38, chr6:64,388,708, plus strand): 5'-TTATTTTCAATAATTAATATTTTAAAACATCTATAGAAATACCTGGATTTTCCCATGAAG[G>T]TCTGGAAATCCACCAATGAAGACAGATCCTGATTTTGGCAGGGGTTTTCCGAGTACATGA-3'
Protein context (NP_001136272.1, residues 2010-2030): SGSVFIGGFP[Asp2020Glu]LHGKIQMPVP

ClinVar aggregate classification (germline): Uncertain significance. Review status: criteria provided, multiple submitters, no conflicts (2 of 4 stars). 2 submissions from 2 submitters: Uncertain significance (2). Last evaluated 2022-07-05.

Allele frequency attached by ClinVar (database versions not stated): gnomAD 0.00001.
gnomAD v4.1: 18 of 1,535,942 alleles (0.0012%); highest among the groups gnomAD compares: Non-Finnish European, 0.0015%; no homozygotes.

Submissions (2):

Labcorp Genetics (formerly Invitae), Labcorp
Classification: Uncertain significance. Last evaluated: 2022-07-05. Review status: criteria provided, single submitter. Criteria: Invitae Variant Classification Sherloc (09022015). Collection method: clinical testing. Allele origin: germline.
Comment: This sequence change replaces aspartic acid, which is acidic and polar, with glutamic acid, which is acidic and polar, at codon 2020 of the EYS protein (p.Asp2020Glu). This variant is present in population databases (no rsID available, gnomAD 0.007%). This variant has not been reported in the literature in individuals affected with EYS-related conditions. ClinVar contains an entry for this variant (Variation ID: 1377195). Algorithms developed to predict the effect of missense changes on protein structure and function output the following: SIFT: "Tolerated"; PolyPhen-2: "Benign"; Align-GVGD: "Class C0". The glutamic acid amino acid residue is found in multiple mammalian species, which suggests that this missense change does not adversely affect protein function. In summary, the available evidence is currently insufficient to determine the role of this variant in disease. Therefore, it has been classified as a Variant of Uncertain Significance.

Blueprint Genetics
Classification: Uncertain significance. Last evaluated: 2019-08-14. Review status: criteria provided, single submitter. Criteria: ACMG Guidelines, 2015. Collection method: clinical testing. Allele origin: germline.